The following is an entry in ClinVar:

ClinVar aggregate classification (germline): Uncertain significance. Review status: criteria provided, multiple submitters, no conflicts (2 of 4 stars). 2 submissions from 2 submitters: Uncertain significance (2). Last evaluated 2024-03-03.

Submissions (2):

Labcorp Genetics (formerly Invitae), Labcorp
Classification: Uncertain significance. Last evaluated: 2024-03-03. Review status: criteria provided, single submitter. Criteria: Invitae Variant Classification Sherloc (09022015). Collection method: clinical testing. Allele origin: germline.
Comment: This variant, c.5763_5783dup, results in the insertion of 7 amino acid(s) of the SON protein (p.Thr1924_Arg1930dup), but otherwise preserves the integrity of the reading frame. This variant is not present in population databases (gnomAD no frequency). This variant has not been reported in the literature in individuals affected with SON-related conditions. In summary, the available evidence is currently insufficient to determine the role of this variant in disease. Therefore, it has been classified as a Variant of Uncertain Significance.

Blueprint Genetics
Classification: Uncertain significance. Last evaluated: 2023-07-26. Review status: criteria provided, single submitter. Criteria: ACMG Guidelines, 2015. Collection method: clinical testing. Allele origin: germline.

NM_138927.4(SON):c.5763_5783dup (p.Arg1930_Ser1931insThrProSerArgArgSerArg)

Gene: SON (SON DNA and RNA binding protein; plus strand). Cytogenetic location: 21q22.11.
Variant type: Duplication.
Coding change: c.5763_5783dup on transcript NM_138927.4 (MANE Select); coding-DNA positions 5763 to 5783, 21 bases duplicated (AAGTCGAACCCCAAGTCGTCG).
Protein change: p.Arg1930_Ser1931insThrProSerArgArgSerArg.
Molecular consequence: inframe insertion. On other transcripts: non-coding transcript variant (1), intron variant (1).
Genome position (GRCh38, 1-based): chr21:33,554,994-33,555,014, AAGTCGAACCCCAAGTCGTCG duplicated; duplicating any 21 consecutive bases within chr21:33,554,991-33,555,014 gives the same sequence; the c. name uses the placement nearest the transcript's 3' end. VCF-style (leftmost placement, unchanged base first): chr21-33554990-C-CTCGAAGTCGAACCCCAAGTCG. GRCh37 (hg19) VCF-style: chr21-34927296-C-CTCGAAGTCGAACCCCAAGTCG.
Other names: c.5763_5783dup, p.Arg1930_Ser1931insThrProSerArgArgSerArg (NM_001291411.2, NM_032195.3); c.245-2162_245-2142dup (NM_001291412.3).
Identifiers: ClinVar variation 3621424 (VCV003621424.3).
Genomic context (GRCh38, chr21:33,554,990, plus strand): 5'-AGTCTAGGGAAAGAAAAAGAAAAAGATCAAGCTCCAGGGATAACCGAAAGACAGTTAGAG[C>CTCGAAGTCGAACCCCAAGTCG]TCGAAGTCGAACCCCAAGTCGTCGGAGTCGGAGTCATACTCCAAGTCGTCGACGAAGGTC-3'